The following is an entry in ClinVar:

NM_001353345.2(SETD1B):c.5474G>A (p.Arg1825Gln)

Gene: SETD1B (SET domain containing 1B, histone lysine methyltransferase; plus strand). Cytogenetic location: 12q24.31.
Variant type: single nucleotide variant.
Coding change: c.5474G>A on transcript NM_001353345.2 (MANE Select); coding-DNA position 5474, G replaced by A.
Protein change: p.Arg1825Gln; replaces arginine 1825 with glutamine.
Molecular consequence: missense variant.
Genome position (GRCh38, 1-based): chr12:121,827,739, G>A. VCF-style: chr12-121827739-G-A. GRCh37 (hg19) VCF-style: chr12-122265645-G-A.
Other names: short protein forms R1825Q.
Identifiers: ClinVar variation 5037533 (VCV005037533.1).

ClinVar aggregate classification (germline): Pathogenic (1 of 4 stars; one submission).

Submission:

GeneDx
Classification: Pathogenic. Last evaluated: 2026-04-24. Review status: criteria provided, single submitter. Criteria: GeneDx Variant Classification Process June 2021. Collection method: clinical testing. Allele origin: germline.
Comment: Has not been previously published as pathogenic or benign to our knowledge; Not observed at significant frequency in large population cohorts (gnomAD); In silico analysis supports that this missense variant has a deleterious effect on protein structure/function; This variant is associated with the following publications: (PMID: 38313655)